The following is an entry in ClinVar:

NM_012062.5(DNM1L):c.2031T>C (p.His677=)

Gene: DNM1L (dynamin 1L; plus strand). Cytogenetic location: 12p11.21.
Variant type: single nucleotide variant.
Coding change: c.2031T>C on transcript NM_012062.5 (MANE Select); coding-DNA position 2031, T replaced by C.
Protein change: p.His677=; no amino-acid change (histidine 677 retained).
Molecular consequence: synonymous variant.
Genome position (GRCh38, 1-based): chr12:32,742,625, T>C. VCF-style: chr12-32742625-T-C. GRCh37 (hg19) VCF-style: chr12-32895559-T-C.
Other names: c.1998T>C, p.His666= (NM_001278463.2); c.2070T>C, p.His690= (NM_001278464.2); c.2037T>C, p.His679= (NM_001278465.2); c.1422T>C, p.His474= (NM_001278466.2); c.1959T>C, p.His653= (NM_001330380.2); c.1920T>C, p.His640= (NM_005690.5); c.1953T>C, p.His651= (NM_012063.4).
Identifiers: ClinVar variation 1644723 (VCV001644723.33), dbSNP rs144811347, ClinGen allele CA6507756.

ClinVar aggregate classification (germline): Likely benign. Review status: criteria provided, multiple submitters, no conflicts (2 of 4 stars). 3 submissions from 3 submitters: Likely benign (3). Last evaluated 2025-10-29.

Allele frequency attached by ClinVar (database versions not stated): ExAC 0.00003; gnomAD exomes 0.00003; gnomAD 0.00005 and 0.00006; TOPMed 0.00005; 1000 Genomes Project 30x 0.00016; 1000 Genomes Project 0.00020.
gnomAD v4.1: 122 of 1,614,116 alleles (0.0076%); highest among the groups gnomAD compares: Non-Finnish European, 0.0097%; no homozygotes.

Submissions (3):

Labcorp Genetics (formerly Invitae), Labcorp
Classification: Likely benign. Last evaluated: 2025-10-29. Review status: criteria provided, single submitter. Criteria: Invitae Variant Classification Sherloc (09022015). Collection method: clinical testing. Allele origin: germline.

Blueprint Genetics
Classification: Likely benign. Last evaluated: 2024-07-08. Review status: criteria provided, single submitter. Criteria: ACMG Guidelines, 2015. Collection method: clinical testing. Allele origin: germline.

CeGaT Center for Human Genetics Tuebingen
Classification: Likely benign. Last evaluated: 2023-12-01. Review status: criteria provided, single submitter. Criteria: CeGaT Center For Human Genetics Tuebingen Variant Classification Criteria Version 2. Collection method: clinical testing. Allele origin: germline. Affected: yes. Observed: 2 variant alleles.
Comment: DNM1L: BP4, BP7